The following is an entry in ClinVar:

ClinVar aggregate classification (germline): Uncertain significance (1 of 4 stars; one submission).

Conditions:
MEGF10-related myopathy (CMYO10A). Also called: Congenital myopathy 10A, severe variant. Identifiers: Orphanet 439212, MedGen C3280679, MONDO:0013731, OMIM 614399.

Allele frequency attached by ClinVar (database versions not stated): gnomAD exomes below 0.00001 and 0.00001.
gnomAD v4.1: 5 of 1,605,684 alleles (0.00031%); highest among the groups gnomAD compares: East Asian, 0.0022%; no homozygotes.

Submission:

Labcorp Genetics (formerly Invitae), Labcorp
Classification: Uncertain significance for MEGF10-related myopathy. Last evaluated: 2021-03-23. Review status: criteria provided, single submitter. Criteria: Invitae Variant Classification Sherloc (09022015). Collection method: clinical testing. Allele origin: germline.
Comment: In summary, the available evidence is currently insufficient to determine the role of this variant in disease. Therefore, it has been classified as a Variant of Uncertain Significance. Algorithms developed to predict the effect of missense changes on protein structure and function (SIFT, PolyPhen-2, Align-GVGD) all suggest that this variant is likely to be disruptive, but these predictions have not been confirmed by published functional studies and their clinical significance is uncertain. This variant has not been reported in the literature in individuals with MEGF10-related conditions. This variant is not present in population databases (ExAC no frequency). This sequence change replaces alanine with threonine at codon 158 of the MEGF10 protein (p.Ala158Thr). The alanine residue is highly conserved and there is a small physicochemical difference between alanine and threonine.

NM_001256545.2(MEGF10):c.472G>A (p.Ala158Thr)

Gene: MEGF10 (multiple EGF like domains 10; plus strand). Cytogenetic location: 5q23.2.
Variant type: single nucleotide variant.
Coding change: c.472G>A on transcript NM_001256545.2 (MANE Select); coding-DNA position 472, G replaced by A.
Protein change: p.Ala158Thr; replaces alanine 158 with threonine.
Molecular consequence: missense variant.
Genome position (GRCh38, 1-based): chr5:127,396,591, G>A. VCF-style: chr5-127396591-G-A. GRCh37 (hg19) VCF-style: chr5-126732283-G-A.
Other names: c.472G>A, p.Ala158Thr (NM_001308119.2, NM_001308121.2, NM_032446.3); short protein forms A158T.
Identifiers: ClinVar variation 1420740 (VCV001420740.7), dbSNP rs1287636458, ClinGen allele CA360718159.